The following is an entry in ClinVar:

NM_020247.5(COQ8A):c.521C>T (p.Thr174Ile)

Gene: COQ8A (coenzyme Q8A; plus strand). Cytogenetic location: 1q42.13.
Variant type: single nucleotide variant.
Coding change: c.521C>T on transcript NM_020247.5 (MANE Select); coding-DNA position 521, C replaced by T.
Protein change: p.Thr174Ile; replaces threonine 174 with isoleucine.
Molecular consequence: missense variant.
Genome position (GRCh38, 1-based): chr1:226,965,343, C>T. VCF-style: chr1-226965343-C-T. GRCh37 (hg19) VCF-style: chr1-227153044-C-T.
Other names: c.521C>T (NM_020247.4); short protein forms T174I.
Identifiers: ClinVar variation 2417496 (VCV002417496.5), dbSNP rs181579601, ClinGen allele CA1425029.
Genomic context (GRCh38, chr1:226,965,343, plus strand): 5'-CTGCCATGGGCTTTCAGCGAAGGTTCTTCCACCAGGACCAATCCCCTGTTGGGGGCCTCA[C>T]AGCCGAGGACATTGAGAAGGCCCGGCAGGCTAAGGCTCGCCCCGAGAACAAGCAGCACAA-3'
Protein context (NP_064632.2, residues 164-184): HQDQSPVGGL[Thr174Ile]AEDIEKARQA

ClinVar aggregate classification (germline): Uncertain significance. Review status: criteria provided, multiple submitters, no conflicts (2 of 4 stars). 2 submissions from 2 submitters: Uncertain significance (2). Last evaluated 2022-11-04.

Allele frequency attached by ClinVar (database versions not stated): ESP Exome Variant Server 0.00023.
gnomAD v4.1: 17 of 1,613,130 alleles (0.0011%); highest among the groups gnomAD compares: African/African-American, 0.021%; no homozygotes.

Submissions (2):

Athena Diagnostics
Classification: Uncertain significance. Last evaluated: 2022-11-04. Review status: criteria provided, single submitter. Criteria: Athena Diagnostics Criteria. Collection method: clinical testing. Allele origin: unknown.
Comment: Available data are insufficient to determine the clinical significance of the variant at this time. The frequency of this variant in the general population is uninformative in assessment of its pathogenicity. Computational tools disagree on the variant's effect on normal protein function.

Labcorp Genetics (formerly Invitae), Labcorp
Classification: Uncertain significance. Last evaluated: 2022-07-04. Review status: criteria provided, single submitter. Criteria: Invitae Variant Classification Sherloc (09022015). Collection method: clinical testing. Allele origin: germline.
Comment: This variant has not been reported in the literature in individuals affected with COQ8A-related conditions. In summary, the available evidence is currently insufficient to determine the role of this variant in disease. Therefore, it has been classified as a Variant of Uncertain Significance. Advanced modeling of protein sequence and biophysical properties (such as structural, functional, and spatial information, amino acid conservation, physicochemical variation, residue mobility, and thermodynamic stability) performed at Invitae indicates that this missense variant is expected to disrupt COQ8A protein function. This variant is present in population databases (rs181579601, gnomAD 0.03%). This sequence change replaces threonine, which is neutral and polar, with isoleucine, which is neutral and non-polar, at codon 174 of the COQ8A protein (p.Thr174Ile).